The following is an entry in ClinVar:

ClinVar aggregate classification (germline): Pathogenic (1 of 4 stars; one submission).

Conditions:
Charcot-Marie-Tooth disease axonal type 2S. Also called: CHARCOT-MARIE-TOOTH DISEASE, AXONAL, AUTOSOMAL RECESSIVE, TYPE 2S; CHARCOT-MARIE-TOOTH NEUROPATHY, TYPE 2S. Identifiers: Orphanet 443073, MedGen C4015349, MONDO:0014511, OMIM 616155.
Autosomal recessive distal spinal muscular atrophy 1. Also called: HMN VI; NEURONOPATHY, SEVERE INFANTILE AXONAL, WITH RESPIRATORY FAILURE; SEVERE INFANTILE AXONAL NEUROPATHY WITH RESPIRATORY FAILURE; SPINAL MUSCULAR ATROPHY, DIAPHRAGMATIC; Spinal muscular atrophy with respiratory distress 1; NEURONOPATHY, DISTAL HEREDITARY MOTOR, HARDING TYPE VI. Identifiers: Orphanet 98920, MedGen C1858517, MONDO:0011436, OMIM 604320.

Submission:

Labcorp Genetics (formerly Invitae), Labcorp
Classification: Pathogenic for Autosomal recessive distal spinal muscular atrophy 1; Charcot-Marie-Tooth disease axonal type 2S. Last evaluated: 2024-02-11. Review status: criteria provided, single submitter. Criteria: Invitae Variant Classification Sherloc (09022015). Collection method: clinical testing. Allele origin: germline.
Comment: This sequence change creates a premature translational stop signal (p.Ala494Profs*82) in the IGHMBP2 gene. It is expected to result in an absent or disrupted protein product. Loss-of-function variants in IGHMBP2 are known to be pathogenic (PMID: 14681881, 25439726, 25568292). This variant is not present in population databases (gnomAD no frequency). This variant has not been reported in the literature in individuals affected with IGHMBP2-related conditions. For these reasons, this variant has been classified as Pathogenic.

Literature cited by the submitters: PubMed 14681881; PubMed 25439726; PubMed 25568292.

NM_002180.3(IGHMBP2):c.1480del (p.Ala494fs)

Gene: IGHMBP2 (immunoglobulin mu DNA binding protein 2; plus strand). Cytogenetic location: 11q13.3.
Variant type: Deletion.
Coding change: c.1480del on transcript NM_002180.3 (MANE Select); coding-DNA position 1480, one base deleted (G; older notation c.1480delG).
Protein change: p.Ala494fs; shifts the reading frame from alanine 494.
Molecular consequence: frameshift variant.
Genome position (GRCh38, 1-based): chr11:68,933,856, G deleted. VCF-style (leftmost placement, unchanged base first): chr11-68933855-CG-C. GRCh37 (hg19) VCF-style: chr11-68701323-CG-C.
Other names: short protein forms A494fs.
Identifiers: ClinVar variation 3754572 (VCV003754572.2).
Genomic context (GRCh38, chr11:68,933,855, plus strand): 5'-GGACCTCCCAGGTGTGGCTGCCACAGAAGAGACGGGTGTGCCCCTGCTCTTGGTGGACAC[CG>C]CCGGCTGCGGGCTGTTTGAGCTGGAGGAGGAGGACGAACAGTCGAAAGGGAACCCTGGTG-3'